The following is an entry in ClinVar:

NM_004444.5(EPHB4):c.1546G>A (p.Gly516Arg)

Gene: EPHB4 (EPH receptor B4; minus strand). Cytogenetic location: 7q22.1.
Variant type: single nucleotide variant.
Coding change: c.1546G>A on transcript NM_004444.5 (MANE Select); coding-DNA position 1546, G replaced by A.
Protein change: p.Gly516Arg; replaces glycine 516 with arginine.
Molecular consequence: missense variant.
Genome position (GRCh38, 1-based): chr7:100,817,234, C>T on the plus strand (G>A on the coding strand, the complement: EPHB4 is on the minus strand). VCF-style: chr7-100817234-C-T. GRCh37 (hg19) VCF-style: chr7-100414856-C-T.
Other names: c.1546G>A (NM_004444.4); short protein forms G516R.
Identifiers: ClinVar variation 691538 (VCV000691538.5), dbSNP rs776305185, ClinGen allele CA4392943.

ClinVar aggregate classification (germline): Conflicting classifications of pathogenicity. Review status: criteria provided, conflicting classifications (1 of 4 stars). 3 submissions from 3 submitters: Likely pathogenic (1); Uncertain significance (2). Last evaluated 2026-05-02.

Conditions:
EPHB4-related disorder. Also called: EPHB4-related condition; EPHB4-related disorders.
Capillary malformation-arteriovenous malformation 2 (CMAVM2). Identifiers: Orphanet 693912, MedGen C4748670, MONDO:0020785, OMIM 618196.

Allele frequency attached by ClinVar (database versions not stated): gnomAD exomes 0.00001; ExAC 0.00002.
gnomAD v4.1: 8 of 1,600,346 alleles (0.0005%); highest among the groups gnomAD compares: East Asian, 0.0023%; no homozygotes.

Submissions (3):

PreventionGenetics, part of Exact Sciences
Classification: Likely pathogenic for EPHB4-related condition. Last evaluated: 2026-05-02. Review status: criteria provided, single submitter. Criteria: ACMG Guidelines, 2015. Collection method: clinical testing. Allele origin: germline.
Comment: The EPHB4 c.1546G>A variant is predicted to result in the amino acid substitution p.Gly516Arg. This variant has been reported in multiple unrelated individuals and families with capillary malformation-arteriovenous malformation (CM-AVM) (Amyere et al. 2017. PubMed ID: 28687708). This variant is reported in 0.0069% of alleles in individuals of African descent in gnomAD. This variant is interpreted as likely pathogenic.

Labcorp Genetics (formerly Invitae), Labcorp
Classification: Uncertain significance. Last evaluated: 2025-05-29. Review status: criteria provided, single submitter. Criteria: Invitae Variant Classification Sherloc (09022015). Collection method: clinical testing. Allele origin: germline.
Comment: This sequence change replaces glycine, which is neutral and non-polar, with arginine, which is basic and polar, at codon 516 of the EPHB4 protein (p.Gly516Arg). This variant is present in population databases (rs776305185, gnomAD 0.007%). This missense change has been observed in individual(s) with capillary malformation-arteriovenous malformation (PMID: 28687708). ClinVar contains an entry for this variant (Variation ID: 691538). Invitae Evidence Modeling of protein sequence and biophysical properties (such as structural, functional, and spatial information, amino acid conservation, physicochemical variation, residue mobility, and thermodynamic stability) indicates that this missense variant is expected to disrupt EPHB4 protein function with a positive predictive value of 95%. In summary, the available evidence is currently insufficient to determine the role of this variant in disease. Therefore, it has been classified as a Variant of Uncertain Significance.

SIB Swiss Institute of Bioinformatics
Classification: Uncertain significance for Capillary malformation-arteriovenous malformation 2. Last evaluated: 2019-03-29. Review status: criteria provided, single submitter. Criteria: ACMG Guidelines, 2015. Collection method: curation. Allele origin: unknown.
Comment: This variant is interpreted as a Uncertain significance for Capillary malformation-arteriovenous malformation 2. The following ACMG Tag(s) were applied: PP3: Multiple lines of computational evidence support a deleterious effect on the gene or gene product.

Literature cited by the submitters: PubMed 28687708 (cited by Labcorp Genetics (formerly Invitae), Labcorp and SIB Swiss Institute of Bioinformatics).